The following is an entry in ClinVar:

NM_017934.7(PHIP):c.3893G>A (p.Arg1298Gln)

Genes: IRAK1BP1 (interleukin 1 receptor associated kinase 1 binding protein 1; plus strand), PHIP (PHIP subunit of CUL4-Ring ligase complex; minus strand). Cytogenetic location: 6q14.1.
Variant type: single nucleotide variant.
Coding change: c.3893G>A on transcript NM_017934.7 (MANE Select); coding-DNA position 3893, G replaced by A.
Protein change: p.Arg1298Gln; replaces arginine 1298 with glutamine.
Molecular consequence: missense variant.
Genome position (GRCh38, 1-based): chr6:78,955,242, C>T on the plus strand (G>A on the coding strand, the complement: PHIP is on the minus strand). VCF-style: chr6-78955242-C-T. GRCh37 (hg19) VCF-style: chr6-79664959-C-T.
Other names: short protein forms R1298Q.
Identifiers: ClinVar variation 3351777 (VCV003351777.4).

ClinVar aggregate classification (germline): Conflicting classifications of pathogenicity. Review status: criteria provided, conflicting classifications (1 of 4 stars). 2 submissions from 2 submitters: Uncertain significance (1); Benign (1). Last evaluated 2026-02-16.

Conditions:
PHIP-related disorder. Also called: PHIP-related disorders; PHIP-related condition.

gnomAD v4.1: 56 of 1,605,816 alleles (0.0035%); highest among the groups gnomAD compares: Admixed American, 0.0051%; no homozygotes.

Submissions (2):

PreventionGenetics, part of Exact Sciences
Classification: Uncertain significance for PHIP-related condition. Last evaluated: 2026-02-16. Review status: criteria provided, single submitter. Criteria: ACMG Guidelines, 2015. Collection method: clinical testing. Allele origin: germline.
Comment: The PHIP c.3893G>A variant is predicted to result in the amino acid substitution p.Arg1298Gln. To our knowledge, this variant has not been reported in the literature. This variant is reported in 0.0018% of alleles in individuals of European (non-Finnish) descent in gnomAD. At this time, the clinical significance of this variant is uncertain due to the absence of conclusive functional and genetic evidence.

Labcorp Genetics (formerly Invitae), Labcorp
Classification: Benign. Last evaluated: 2025-07-28. Review status: criteria provided, single submitter. Criteria: Invitae Variant Classification Sherloc (09022015). Collection method: clinical testing. Allele origin: germline.